The following is an entry in ClinVar:

NM_001458.5(FLNC):c.2103C>A (p.Asp701Glu)

Gene: FLNC (filamin C; plus strand). Cytogenetic location: 7q32.1.
Variant type: single nucleotide variant.
Coding change: c.2103C>A on transcript NM_001458.5 (MANE Select); coding-DNA position 2103, C replaced by A.
Protein change: p.Asp701Glu; replaces aspartic acid 701 with glutamic acid.
Molecular consequence: missense variant.
Genome position (GRCh38, 1-based): chr7:128,841,549, C>A. VCF-style: chr7-128841549-C-A. GRCh37 (hg19) VCF-style: chr7-128481603-C-A.
Other names: c.2103C>A, p.Asp701Glu (NM_001127487.2); short protein forms D701E.
Identifiers: ClinVar variation 4258266 (VCV004258266.2).

ClinVar aggregate classification (germline): Uncertain significance. Review status: criteria provided, multiple submitters, no conflicts (2 of 4 stars). 2 submissions from 2 submitters: Uncertain significance (2). Last evaluated 2025-06-17.

Conditions:
Distal myopathy with posterior leg and anterior hand involvement. Also called: WILLIAMS DISTAL MYOPATHY. Identifiers: Orphanet 63273, MedGen C3279722, MONDO:0013550, OMIM 614065.
Myofibrillar myopathy 5. Also called: Filaminopathy (type); FILAMINOPATHY, AUTOSOMAL DOMINANT. Identifiers: Orphanet 171445, MedGen C1836050, MONDO:0012289, OMIM 609524.
Hypertrophic cardiomyopathy 26. Also called: Cardiomyopathy, familial hypertrophic, 26. Identifiers: Orphanet 75249, MedGen C4310749, MONDO:0014883, OMIM 617047.
Cardiovascular phenotype. Identifiers: MedGen CN230736.

Submissions (2):

Ambry Genetics
Classification: Uncertain significance for Cardiovascular phenotype. Last evaluated: 2025-06-17. Review status: criteria provided, single submitter. Criteria: Ambry Variant Classification Scheme 2023. Collection method: clinical testing. Allele origin: germline.
Comment: The p.D701E variant (also known as c.2103C>A), located in coding exon 13 of the FLNC gene, results from a C to A substitution at nucleotide position 2103. The aspartic acid at codon 701 is replaced by glutamic acid, an amino acid with highly similar properties. This amino acid position is conserved. In addition, this alteration is predicted to be tolerated by in silico analysis. Based on the available evidence, the clinical significance of this variant remains unclear.

Labcorp Genetics (formerly Invitae), Labcorp
Classification: Uncertain significance for Distal myopathy with posterior leg and anterior hand involvement; Myofibrillar myopathy 5; Hypertrophic cardiomyopathy 26. Last evaluated: 2025-06-10. Review status: criteria provided, single submitter. Criteria: Invitae Variant Classification Sherloc (09022015). Collection method: clinical testing. Allele origin: germline.
Comment: This sequence change replaces aspartic acid, which is acidic and polar, with glutamic acid, which is acidic and polar, at codon 701 of the FLNC protein (p.Asp701Glu). This variant is not present in population databases (gnomAD no frequency). This variant has not been reported in the literature in individuals affected with FLNC-related conditions. Invitae Evidence Modeling of protein sequence and biophysical properties (such as structural, functional, and spatial information, amino acid conservation, physicochemical variation, residue mobility, and thermodynamic stability) has been performed for this missense variant. However, the output from this modeling did not meet the statistical confidence thresholds required to predict the impact of this variant on FLNC protein function. In summary, the available evidence is currently insufficient to determine the role of this variant in disease. Therefore, it has been classified as a Variant of Uncertain Significance.